The following is an entry in ClinVar:

ClinVar aggregate classification (germline): Benign. Review status: criteria provided, multiple submitters, no conflicts (2 of 4 stars). 6 submissions from 6 submitters: Benign (6). Last evaluated 2026-02-03.

Conditions:
Brain small vessel disease 2A, autosomal dominant. Also called: Porencephaly 2. Identifiers: Orphanet 2940, Orphanet 99810, MedGen C3280970, MONDO:0013773, OMIM 614483.

Allele frequency attached by ClinVar (database versions not stated): gnomAD exomes 0.04000 and 0.05643; ExAC 0.05858; ESP Exome Variant Server 0.07644; gnomAD 0.08195 and 0.08329; TOPMed 0.08290; 1000 Genomes Project 0.09824; 1000 Genomes Project 30x 0.10322.
gnomAD v4.1: 71,282 of 1,614,062 alleles (4.4%); highest among the groups gnomAD compares: African/African-American, 18%; 2,647 homozygotes.

Submissions (6):

Labcorp Genetics (formerly Invitae), Labcorp
Classification: Benign. Last evaluated: 2026-02-03. Review status: criteria provided, single submitter. Criteria: Invitae Variant Classification Sherloc (09022015). Collection method: clinical testing. Allele origin: germline.

Blueprint Genetics
Classification: Benign. Last evaluated: 2024-11-27. Review status: criteria provided, single submitter. Criteria: ACMG Guidelines, 2015. Collection method: clinical testing. Allele origin: germline.

Mayo Clinic Laboratories, Mayo Clinic
Classification: Benign. Last evaluated: 2022-04-26. Review status: criteria provided, single submitter. Criteria: ACMG Guidelines, 2015. Collection method: clinical testing. Allele origin: germline. Observed: 31 variant alleles.

GeneDx
Classification: Benign. Last evaluated: 2018-07-09. Review status: criteria provided, single submitter. Criteria: GeneDx Variant Classification Process June 2021. Collection method: clinical testing. Allele origin: germline. Affected: yes.

Illumina Laboratory Services, Illumina
Classification: Benign for Brain small vessel disease 2A, autosomal dominant. Last evaluated: 2018-01-13. Review status: criteria provided, single submitter. Criteria: ICSL Variant Classification Criteria 13 December 2019. Collection method: clinical testing. Allele origin: germline.
Comment: This variant was observed in the ICSL laboratory as part of a predisposition screen in an ostensibly healthy population. It had not been previously curated by ICSL or reported in the Human Gene Mutation Database (HGMD: prior to June 1st, 2018), and was therefore a candidate for classification through an automated scoring system. Utilizing variant allele frequency, disease prevalence and penetrance estimates, and inheritance mode, an automated score was calculated to assess if this variant is too frequent to cause the disease. Based on the score and internal cut-off values, a variant classified as benign is not then subjected to further curation. The score for this variant resulted in a classification of benign for this disease.

Breakthrough Genomics
Classification: Benign. Review status: criteria provided, single submitter. Criteria: ACMG Guidelines, 2015. Collection method: not provided. Allele origin: germline. Inheritance: Autosomal dominant inheritance. Affected: yes.

NM_001846.4(COL4A2):c.912+9C>T

Gene: COL4A2 (collagen type IV alpha 2 chain; plus strand). Cytogenetic location: 13q34.
Variant type: single nucleotide variant.
Coding change: c.912+9C>T on transcript NM_001846.4 (MANE Select); 9 bases into the intron after coding-DNA position 912, C replaced by T.
Molecular consequence: intron variant.
Genome position (GRCh38, 1-based): chr13:110,438,677, C>T. VCF-style: chr13-110438677-C-T. GRCh37 (hg19) VCF-style: chr13-111091024-C-T.
Other names: p.?.
Identifiers: ClinVar variation 311115 (VCV000311115.17), dbSNP rs7983979, ClinGen allele CA7049207.